The following is an entry in ClinVar:

NM_001271.4(CHD2):c.294+18C>T

Gene: CHD2 (chromodomain helicase DNA binding protein 2; plus strand). Cytogenetic location: 15q26.1.
Variant type: single nucleotide variant.
Coding change: c.294+18C>T on transcript NM_001271.4 (MANE Select); 18 bases into the intron after coding-DNA position 294, C replaced by T.
Molecular consequence: intron variant.
Genome position (GRCh38, 1-based): chr15:92,924,570, C>T. VCF-style: chr15-92924570-C-T. GRCh37 (hg19) VCF-style: chr15-93467800-C-T.
Other names: c.294+18C>T (NM_001042572.3).
Identifiers: ClinVar variation 510613 (VCV000510613.2), dbSNP rs771270272, ClinGen allele CA7747471.
Genomic context (GRCh38, chr15:92,924,570, plus strand): 5'-GAAGCCAGCCTCTAAGAAGGAACGGATAGCTGATGTGAAGAAGGTATCTACTTTGCCCTG[C>T]AGTACAAATGTGCTGCTAGCCTAGGACAAGCTAGCAGACCTTTGTTGTTCATGAAAACTC-3'

ClinVar aggregate classification (germline): Likely benign. Review status: criteria provided, multiple submitters, no conflicts (2 of 4 stars). 2 submissions from 2 submitters: Likely benign (2). Last evaluated 2025-04-27.

Conditions:
Developmental and epileptic encephalopathy 94 (DEE94). Also called: CHD2-Related Neurodevelopmental Disorders; Epileptic encephalopathy, childhood-onset. Identifiers: Orphanet 1942, Orphanet 2382, MedGen C3809278, MONDO:0014150, OMIM 615369.

gnomAD v4.1: 1 of 1,603,834 alleles (0.000062%); highest among the groups gnomAD compares: Non-Finnish European, 0.000085%; no homozygotes.

Submissions (2):

Labcorp Genetics (formerly Invitae), Labcorp
Classification: Likely benign for Developmental and epileptic encephalopathy 94. Last evaluated: 2025-04-27. Review status: criteria provided, single submitter. Criteria: Invitae Variant Classification Sherloc (09022015). Collection method: clinical testing. Allele origin: germline.

GeneDx
Classification: Likely benign. Last evaluated: 2017-07-03. Review status: criteria provided, single submitter. Criteria: GeneDx Variant Classification (06012015). Collection method: clinical testing. Allele origin: germline. Affected: yes.
Comment: This variant is considered likely benign or benign based on one or more of the following criteria: it is a conservative change, it occurs at a poorly conserved position in the protein, it is predicted to be benign by multiple in silico algorithms, and/or has population frequency not consistent with disease.